The following is an entry in ClinVar:

NM_006941.4(SOX10):c.1093G>C (p.Gly365Arg)

Genes: POLR2F (RNA polymerase II, I and III subunit F; plus strand), SOX10 (SRY-box transcription factor 10; minus strand). Cytogenetic location: 22q13.1.
Variant type: single nucleotide variant.
Coding change: c.1093G>C on transcript NM_006941.4 (MANE Select); coding-DNA position 1093, G replaced by C.
Protein change: p.Gly365Arg; replaces glycine 365 with arginine.
Molecular consequence: missense variant. On other transcripts: intron variant (3).
Genome position (GRCh38, 1-based): chr22:37,973,803, C>G on the plus strand (G>C on the coding strand, the complement: SOX10 is on the minus strand). VCF-style: chr22-37973803-C-G. GRCh37 (hg19) VCF-style: chr22-38369810-C-G.
Other names: c.*38+1493C>G (NM_001363825.1); c.293+6633C>G (NM_001301130.2, NM_001301131.2); short protein forms G365R.
Identifiers: ClinVar variation 1205874 (VCV001205874.13), dbSNP rs748755187, ClinGen allele CA10228526.
Genomic context (GRCh38, chr22:37,973,803, plus strand): 5'-GGCTGAGGGAGGTGTAGGCGATCTGTGAGGTGGATGGCTGGTCGGTGTAGTGTGGGGGCC[C>G]CTGGGGCCCCGCGGTCTCTGTCTTCACCTGGGCTTTGGCATCCACACCAGGTGGTGAGAC-3'
Protein context (NP_008872.1, residues 355-375): QVKTETAGPQ[Gly365Arg]PPHYTDQPST

ClinVar aggregate classification (germline): Conflicting classifications of pathogenicity. Review status: criteria provided, conflicting classifications (1 of 4 stars). 5 submissions from 5 submitters: Uncertain significance (2); Likely benign (1). 2 of the submissions do not count toward it. Last evaluated 2025-03-21.

Conditions:
PCWH syndrome. Also called: WAARDENBURG-SHAH SYNDROME, NEUROLOGIC VARIANT. Identifiers: Orphanet 163746, MedGen C1836727, MONDO:0012198, OMIM 609136.
Waardenburg syndrome type 2E (WS2E). Also called: WAARDENBURG SYNDROME, TYPE 2E, WITH OR WITHOUT NEUROLOGIC INVOLVEMENT; WS2E, WITH OR WITHOUT NEUROLOGIC INVOLVEMENT; HYPOGONADOTROPIC HYPOGONADISM WITH ANOSMIA AND DEAFNESS, WITH OR WITHOUT HYPOPIGMENTATION. Identifiers: Orphanet 3440, MedGen C2700405, MONDO:0012698, OMIM 611584.
Waardenburg syndrome type 4C (WS4C). Also called: WAARDENBURG SYNDROME WITH HIRSCHSPRUNG DISEASE, TYPE 4C. Identifiers: Orphanet 897, MedGen C2750452, MONDO:0013202, OMIM 613266.

Allele frequency attached by ClinVar (database versions not stated): TOPMed 0.00004; gnomAD exomes 0.00002 and 0.00003; ExAC 0.00003; gnomAD 0.00010 and 0.00011.
gnomAD v4.1: 61 of 1,596,320 alleles (0.0038%); highest among the groups gnomAD compares: Non-Finnish European, 0.0049%; no homozygotes.

Submissions (5):

GeneDx
Classification: Uncertain significance. Last evaluated: 2025-03-21. Review status: criteria provided, single submitter. Criteria: GeneDx Variant Classification Process June 2021. Collection method: clinical testing. Allele origin: germline. Affected: yes.
Comment: Reported previously in a patient with progressive limb-girdle muscle weakness, severe muscle atrophy, and waddling gait, who also harbored variants in other genes that possibly explained the phenotype (PMID: 29970176); In silico analysis indicates that this missense variant does not alter protein structure/function; This variant is associated with the following publications: (PMID: 29970176)

Labcorp Genetics (formerly Invitae), Labcorp
Classification: Likely benign. Last evaluated: 2024-02-05. Review status: criteria provided, single submitter. Criteria: Invitae Variant Classification Sherloc (09022015). Collection method: clinical testing. Allele origin: germline.

Fulgent Genetics
Classification: Uncertain significance for PCWH syndrome; Waardenburg syndrome type 2E; Waardenburg syndrome type 4C. Last evaluated: 2021-09-03. Review status: criteria provided, single submitter. Criteria: ACMG Guidelines, 2015. Collection method: clinical testing. Allele origin: unknown.

Clinical Genetics DNA and cytogenetics Diagnostics Lab, Erasmus MC, Erasmus Medical Center
Classification: Uncertain significance. Review status: no assertion criteria provided. Collection method: clinical testing. Allele origin: germline. Affected: yes. Study: VKGL Data-share Consensus. Not counted in ClinVar's aggregate classification.

Laboratory of Diagnostic Genome Analysis, Leiden University Medical Center (LUMC)
Classification: Uncertain significance. Review status: no assertion criteria provided. Collection method: clinical testing. Allele origin: germline. Affected: yes. Study: VKGL Data-share Consensus. Not counted in ClinVar's aggregate classification.